The following is an entry in ClinVar:

ClinVar aggregate classification (germline): Pathogenic. Review status: criteria provided, multiple submitters, no conflicts (2 of 4 stars). 3 submissions from 3 submitters: Pathogenic (2). 1 of the submissions does not count toward it. Last evaluated 2025-09-30.

Conditions:
RS1-related disorder. Also called: RS1-related condition.
Juvenile retinoschisis (RS1). Also called: X-linked retinoschisis; X-Linked Juvenile Retinoschisis. Identifiers: Orphanet 792, MedGen C3714753, MONDO:0010725, OMIM 312700.

Submissions (4):

North West Genomic Laboratory Hub, Manchester University NHS Foundation Trust
Classification: Pathogenic for Juvenile retinoschisis. Last evaluated: 2025-09-30. Review status: criteria provided, single submitter. Criteria: ACGS Best Practice Guidelines for Variant Classification in Rare Disease 2024. Collection method: clinical testing. Allele origin: germline. Affected: yes.
Comment: PP4_Supp PM2_Mod PVS1_VStr

Blueprint Genetics
Classification: Pathogenic for RS1-related disorders. Last evaluated: 2024-11-26. Review status: criteria provided, single submitter. Criteria: ACMG Guidelines, 2015. Collection method: clinical testing. Allele origin: germline. Affected: yes. Observed: 3 variant alleles.

Dr. Peter K. Rogan Lab, Western University
No classification provided (evidence only). Condition: Thyroid cancer, nonmedullary, 1. Review status: no classification provided. Collection method: in vitro. Allele origin: not applicable. Functional consequence: retained intron. Not counted in ClinVar's aggregate classification.

Retina International
No classification provided. Review status: no classification provided. Collection method: not provided. Allele origin: not provided. Not counted in ClinVar's aggregate classification.

NM_000330.4(RS1):c.79-2A>G

Gene: RS1 (retinoschisin 1; minus strand). Cytogenetic location: Xp22.13.
Variant type: single nucleotide variant.
Coding change: c.79-2A>G on transcript NM_000330.4 (MANE Select); the canonical splice acceptor site of the intron before coding-DNA position 79, A replaced by G.
Molecular consequence: splice acceptor variant.
Genome position (GRCh38, 1-based): chrX:18,656,760, T>C on the plus strand (A>G on the coding strand, the complement: RS1 is on the minus strand). VCF-style: chrX-18656760-T-C. GRCh37 (hg19) VCF-style: chrX-18674880-T-C.
Other names: NC_000023.10:g.18674880T>C.
Identifiers: ClinVar variation 99023 (VCV000099023.4), dbSNP rs281865340, ClinGen allele CA226857.